The following is an entry in ClinVar:

NM_004055.5(CAPN5):c.1438A>G (p.Thr480Ala)

Gene: CAPN5 (calpain 5; plus strand). Cytogenetic location: 11q13.5.
Variant type: single nucleotide variant.
Coding change: c.1438A>G on transcript NM_004055.5 (MANE Select); coding-DNA position 1438, A replaced by G.
Protein change: p.Thr480Ala; replaces threonine 480 with alanine.
Molecular consequence: missense variant.
Genome position (GRCh38, 1-based): chr11:77,120,860, A>G. VCF-style: chr11-77120860-A-G. GRCh37 (hg19) VCF-style: chr11-76831906-A-G.
Other names: short protein forms T480A.
Identifiers: ClinVar variation 1961452 (VCV001961452.6), dbSNP rs782225680, ClinGen allele CA6196814.
Genomic context (GRCh38, chr11:77,120,860, plus strand): 5'-CGCACCGACCAGCCCGAGGGCCGCTATGTCATCATCCCCACAACCTTCGAGCCAGGCCAC[A>G]CTGGCGAGTTCCTGCTCCGAGTCTTCACTGATGTGCCCTCCAACTGCCGGTACTTGGGGG-3'
Protein context (NP_004046.2, residues 470-490): IIPTTFEPGH[Thr480Ala]GEFLLRVFTD

ClinVar aggregate classification (germline): Uncertain significance. Review status: criteria provided, multiple submitters, no conflicts (2 of 4 stars). 2 submissions from 2 submitters: Uncertain significance (2). Last evaluated 2022-10-13.

Conditions:
Inborn genetic diseases. Identifiers: MedGen C0950123, MeSH D030342.

Allele frequency attached by ClinVar (database versions not stated): ExAC 0.00001; gnomAD 0.00001; gnomAD exomes 0.00001; TOPMed 0.00001.
gnomAD v4.1: 19 of 1,614,036 alleles (0.0012%); highest among the groups gnomAD compares: Non-Finnish European, 0.0016%; no homozygotes.

Submissions (2):

Labcorp Genetics (formerly Invitae), Labcorp
Classification: Uncertain significance. Last evaluated: 2022-10-13. Review status: criteria provided, single submitter. Criteria: Invitae Variant Classification Sherloc (09022015). Collection method: clinical testing. Allele origin: germline.
Comment: In summary, the available evidence is currently insufficient to determine the role of this variant in disease. Therefore, it has been classified as a Variant of Uncertain Significance. Advanced modeling of protein sequence and biophysical properties (such as structural, functional, and spatial information, amino acid conservation, physicochemical variation, residue mobility, and thermodynamic stability) performed at Invitae indicates that this missense variant is not expected to disrupt CAPN5 protein function. This variant has not been reported in the literature in individuals affected with CAPN5-related conditions. This variant is present in population databases (rs782225680, gnomAD 0.003%). This sequence change replaces threonine, which is neutral and polar, with alanine, which is neutral and non-polar, at codon 480 of the CAPN5 protein (p.Thr480Ala).

Ambry Genetics
Classification: Uncertain significance for Inborn genetic diseases. Last evaluated: 2021-08-17. Review status: criteria provided, single submitter. Criteria: Ambry Variant Classification Scheme 2023. Collection method: clinical testing. Allele origin: germline.